The following is an entry in ClinVar:

ClinVar aggregate classification (germline): Conflicting classifications of pathogenicity. Review status: criteria provided, conflicting classifications (1 of 4 stars). 6 submissions from 6 submitters: Uncertain significance (1); Benign (1); Likely benign (3). 1 of the submissions does not count toward it. Last evaluated 2026-02-07.

Conditions:
TTN-related disorder. Also called: TTN-related condition; TTN-related disease; TTN-related disorders.
Autosomal recessive limb-girdle muscular dystrophy type 2J (LGMDR10). Also called: MUSCULAR DYSTROPHY, LIMB-GIRDLE, AUTOSOMAL RECESSIVE 10; Limb-girdle muscular dystrophy, type 2J. Identifiers: Orphanet 140922, MedGen C1837342, MONDO:0012127, OMIM 608807.
Dilated cardiomyopathy 1G (CMD1G). Identifiers: Orphanet 154, MedGen C1858763, MONDO:0011400, OMIM 604145.
Cardiovascular phenotype. Identifiers: MedGen CN230736.

Allele frequency attached by ClinVar (database versions not stated): gnomAD exomes 0.00004; ExAC 0.00006; ESP Exome Variant Server 0.00008; gnomAD 0.00023 and 0.00025; TOPMed 0.00025; 1000 Genomes Project 0.00040; 1000 Genomes Project 30x 0.00062.
gnomAD v4.1: 55 of 1,605,972 alleles (0.0034%); highest among the groups gnomAD compares: African/African-American, 0.058%; no homozygotes.

Submissions (6):

Women's Health and Genetics/Laboratory Corporation of America, LabCorp
Classification: Likely benign. Last evaluated: 2026-02-07. Review status: criteria provided, single submitter. Criteria: LabCorp Variant Classification Summary - May 2015. Collection method: clinical testing. Allele origin: germline.

Labcorp Genetics (formerly Invitae), Labcorp
Classification: Likely benign for Dilated cardiomyopathy 1G; Autosomal recessive limb-girdle muscular dystrophy type 2J. Last evaluated: 2025-11-26. Review status: criteria provided, single submitter. Criteria: Invitae Variant Classification Sherloc (09022015). Collection method: clinical testing. Allele origin: germline.

Athena Diagnostics
Classification: Benign. Last evaluated: 2024-07-30. Review status: criteria provided, single submitter. Criteria: Athena Diagnostics Criteria. Collection method: clinical testing. Allele origin: unknown.

Ambry Genetics
Classification: Likely benign for Cardiovascular phenotype. Last evaluated: 2019-12-11. Review status: criteria provided, single submitter. Criteria: Ambry Variant Classification Scheme 2023. Collection method: clinical testing. Allele origin: germline.

Eurofins Ntd Llc (ga)
Classification: Uncertain significance. Last evaluated: 2015-08-24. Review status: criteria provided, single submitter. Criteria: EGL Classification Definitions 2015. Collection method: clinical testing. Allele origin: germline. Observed: 1 variant allele, 1 heterozygote.

PreventionGenetics, part of Exact Sciences
Classification: Likely benign for TTN-related condition. Last evaluated: 2019-09-13. Review status: no assertion criteria provided. Collection method: clinical testing. Allele origin: germline. Not counted in ClinVar's aggregate classification.
Comment: This variant is classified as likely benign based on ACMG/AMP sequence variant interpretation guidelines (Richards et al. 2015 PMID: 25741868, with internal and published modifications).

NM_001267550.2(TTN):c.52656T>C (p.Pro17552=)

Genes: TTN (titin; minus strand), TTN-AS1 (TTN antisense RNA 1; plus strand), LOC126806425 (BRD4-independent group 4 enhancer GRCh37_chr2:179471933-179473132; plus strand). Cytogenetic location: 2q31.2.
Variant type: single nucleotide variant.
Coding change: c.52656T>C on transcript NM_001267550.2 (MANE Select); coding-DNA position 52656, T replaced by C.
Protein change: p.Pro17552=; no amino-acid change (proline 17552 retained).
Molecular consequence: synonymous variant. On other transcripts: non-coding transcript variant (1).
Genome position (GRCh38, 1-based): chr2:178,608,227, A>G on the plus strand (T>C on the coding strand, the complement: TTN is on the minus strand). VCF-style: chr2-178608227-A-G. GRCh37 (hg19) VCF-style: chr2-179472954-A-G.
Other names: c.47733T>C, p.Pro15911= (NM_001256850.1); c.25461T>C, p.Pro8487= (NM_003319.4); c.44952T>C, p.Pro14984= (NM_133378.4); c.25836T>C, p.Pro8612= (NM_133432.3); c.26037T>C, p.Pro8679= (NM_133437.4).
Identifiers: ClinVar variation 195713 (VCV000195713.23), dbSNP rs371031259, ClinGen allele CA242259.
Genomic context (GRCh38, chr2:178,608,227, plus strand): 5'-GAACTACTTACAGATTGGATCATGTGCTGTTTTGGGATCTGAAGGTGGACTGAACTTTCC[A>G]GGTCCAGCTGCATTTTCAGCACATACTCTGAAGACATAGGTGAGTCCTTCTAATAAGCCA-3'
Protein context (NP_001254479.2, residues 17542-17562): FRVCAENAAG[Pro17552=]GKFSPPSDPK